The following is an entry in ClinVar:

ClinVar aggregate classification (germline): Uncertain significance. Review status: criteria provided, multiple submitters, no conflicts (2 of 4 stars). 2 submissions from 2 submitters: Uncertain significance (2). Last evaluated 2023-11-27.

Conditions:
Adenylosuccinate lyase deficiency (ADSLD). Also called: ADSL DEFICIENCY. Identifiers: Orphanet 46, MedGen C0268126, MONDO:0007068, OMIM 103050.

Submissions (2):

Labcorp Genetics (formerly Invitae), Labcorp
Classification: Uncertain significance for Adenylosuccinate lyase deficiency. Last evaluated: 2023-11-27. Review status: criteria provided, single submitter. Criteria: Invitae Variant Classification Sherloc (09022015). Collection method: clinical testing. Allele origin: germline.
Comment: This sequence change disrupts the translational stop signal of the ADSL mRNA. It is expected to extend the length of the ADSL protein by 16 additional amino acid residues. This variant is not present in population databases (gnomAD no frequency). This variant has not been reported in the literature in individuals affected with ADSL-related conditions. ClinVar contains an entry for this variant (Variation ID: 2007524). In summary, the available evidence is currently insufficient to determine the role of this variant in disease. Therefore, it has been classified as a Variant of Uncertain Significance.

Revvity Omics, Revvity
Classification: Uncertain significance for Adenylosuccinate lyase deficiency. Last evaluated: 2023-08-01. Review status: criteria provided, single submitter. Criteria: ACMG Guidelines, 2015. Collection method: clinical testing. Allele origin: germline.

NM_000026.4(ADSL):c.1454A>G (p.Ter485Trp)

Gene: ADSL (adenylosuccinate lyase; plus strand). Cytogenetic location: 22q13.1.
Variant type: single nucleotide variant.
Coding change: c.1454A>G on transcript NM_000026.4 (MANE Select); coding-DNA position 1454, A replaced by G.
Protein change: p.Ter485Trp.
Molecular consequence: stop lost. On other transcripts: non-coding transcript variant (1), intron variant (1).
Genome position (GRCh38, 1-based): chr22:40,366,521, A>G. VCF-style: chr22-40366521-A-G. GRCh37 (hg19) VCF-style: chr22-40762525-A-G.
Other names: c.1277A>G, p.Ter426Trp (NM_001123378.3); c.1262A>G, p.Ter421Trp (NM_001317923.2); c.1409A>G, p.Ter470Trp (NM_001410814.1); c.1431+23A>G (NM_001363840.3).
Identifiers: ClinVar variation 2007524 (VCV002007524.7), dbSNP rs2045013571, ClinGen allele CA411649562.